The following is an entry in ClinVar:

ClinVar aggregate classification (germline): Uncertain significance (1 of 4 stars; one submission).

Conditions:
Frasier syndrome. Identifiers: Orphanet 347, MedGen C0950122, MeSH D052159, MONDO:0007635, OMIM 136680.
Drash syndrome (DDS). Also called: NEPHROPATHY, WILMS TUMOR, AND GENITAL ANOMALIES; WILMS TUMOR AND PSEUDO- OR TRUE HERMAPHRODITISM. Identifiers: Orphanet 220, MedGen C0950121, MONDO:0008682, OMIM 194080.
Wilms tumor 1 (WT1). Also called: Wilms tumor, somatic. Identifiers: Orphanet 654, MedGen CN033288, MONDO:0008679, OMIM 194070.
11p partial monosomy syndrome (WAGR). Also called: WAGR Complex; WAGR syndrome; WAGR Spectrum Disorder; CHROMOSOME 11p13 DELETION SYNDROME. Identifiers: Orphanet 893, MedGen C0206115, MONDO:0008681, OMIM 194072.

Allele frequency attached by ClinVar (database versions not stated): TOPMed below 0.00001.

Submission:

Labcorp Genetics (formerly Invitae), Labcorp
Classification: Uncertain significance for Wilms tumor 1; Drash syndrome; 11p partial monosomy syndrome; Frasier syndrome. Last evaluated: 2020-01-22. Review status: criteria provided, single submitter. Criteria: Invitae Variant Classification Sherloc (09022015). Collection method: clinical testing. Allele origin: germline.
Comment: This sequence change replaces histidine with arginine at codon 242 of the WT1 protein (p.His242Arg). The histidine residue is highly conserved and there is a small physicochemical difference between histidine and arginine. This variant is not present in population databases (ExAC no frequency). This variant has not been reported in the literature in individuals with WT1-related conditions. In summary, the available evidence is currently insufficient to determine the role of this variant in disease. Therefore, it has been classified as a Variant of Uncertain Significance. Algorithms developed to predict the effect of missense changes on protein structure and function are either unavailable or do not agree on the potential impact of this missense change (SIFT: "Deleterious"; PolyPhen-2: "Possibly Damaging"; Align-GVGD: "Class C0").

NM_024426.6(WT1):c.740A>G (p.His247Arg)

Gene: WT1 (WT1 transcription factor; minus strand). Cytogenetic location: 11p13.
Variant type: single nucleotide variant.
Coding change: c.740A>G on transcript NM_024426.6 (MANE Select); coding-DNA position 740, A replaced by G.
Protein change: p.His247Arg; replaces histidine 247 with arginine.
Molecular consequence: missense variant. On other transcripts: non-coding transcript variant (1).
Genome position (GRCh38, 1-based): chr11:32,428,541, T>C on the plus strand (A>G on the coding strand, the complement: WT1 is on the minus strand). VCF-style: chr11-32428541-T-C. GRCh37 (hg19) VCF-style: chr11-32450087-T-C.
Other names: c.740A>G, p.His247Arg (NM_000378.6, NM_001407044.1, NM_001407045.1 and 4 more transcripts); c.89A>G, p.His30Arg (NM_001198551.2, NM_001198552.2); c.-23A>G (NM_001407051.1); c.725A>G, p.His242Arg (NM_024425.2); short protein forms H247R, H30R, H242R.
Identifiers: ClinVar variation 947162 (VCV000947162.11), dbSNP rs749860238, ClinGen allele CA379963348.